The following is an entry in ClinVar:

ClinVar aggregate classification (germline): Uncertain significance (1 of 4 stars; one submission).

Conditions:
Hereditary sensory and autonomic neuropathy type 6. Also called: Neuropathy, hereditary sensory and autonomic, type VI; HSAN VI. Identifiers: Orphanet 314381, MedGen C3539003, MONDO:0013839, OMIM 614653.
Epidermolysis bullosa simplex 3, localized or generalized intermediate, with BP230 deficiency (EBS3). Also called: Epidermolysis bullosa simplex due to BP230 deficiency; Epidermolysis bullosa simplex, autosomal recessive 2. Identifiers: Orphanet 412181, MedGen C3809470, MONDO:0014180, OMIM 615425.

gnomAD v4.1: 3 of 1,613,258 alleles (0.00019%); highest among the groups gnomAD compares: Admixed American, 0.0033%; no homozygotes.

Submission:

Labcorp Genetics (formerly Invitae), Labcorp
Classification: Uncertain significance for Epidermolysis bullosa simplex 3, localized or generalized intermediate, with BP230 deficiency; Hereditary sensory and autonomic neuropathy type 6. Last evaluated: 2021-08-31. Review status: criteria provided, single submitter. Criteria: Invitae Variant Classification Sherloc (09022015). Collection method: clinical testing. Allele origin: germline.
Comment: This variant has not been reported in the literature in individuals affected with DST-related conditions. This variant is not present in population databases (ExAC no frequency). This sequence change replaces glutamine with histidine at codon 2430 of the DST protein (p.Gln2430His). The DST gene has multiple clinically relevant transcripts. This variant occurs in alternate transcript NM_015548.4, and corresponds to NM_001723.5:c.*61884G>T in the primary transcript. Experimental studies and prediction algorithms are not available or were not evaluated, and the functional significance of this variant is currently unknown. In summary, the available evidence is currently insufficient to determine the role of this variant in disease. Therefore, it has been classified as a Variant of Uncertain Significance.

NM_001374736.1(DST):c.15159G>T (p.Gln5053His)

Gene: DST (dystonin; minus strand). Cytogenetic location: 6p12.1.
Variant type: single nucleotide variant.
Coding change: c.15159G>T on transcript NM_001374736.1 (MANE Select); coding-DNA position 15159, G replaced by T.
Protein change: p.Gln5053His; replaces glutamine 5053 with histidine.
Molecular consequence: missense variant.
Genome position (GRCh38, 1-based): chr6:56,553,633, C>A on the plus strand (G>T on the coding strand, the complement: DST is on the minus strand). VCF-style: chr6-56553633-C-A. GRCh37 (hg19) VCF-style: chr6-56418431-C-A.
Other names: c.8802G>T, p.Gln2934His (NM_001144769.5); c.8388G>T, p.Gln2796His (NM_001144770.2); c.15159G>T, p.Gln5053His (NM_001374722.1); c.14526G>T, p.Gln4842His (NM_001374729.1); c.8268G>T, p.Gln2756His (NM_001374730.1, NM_001386100.1, NM_183380.4); c.15186G>T, p.Gln5062His (NM_001374734.1); c.7290G>T, p.Gln2430His (NM_015548.5); short protein forms Q2430H, Q2756H, Q2796H, Q2934H, Q4842H, Q5053H, Q5062H.
Identifiers: ClinVar variation 1360585 (VCV001360585.6), dbSNP rs753122895, ClinGen allele CA364518048.